The following is an entry in ClinVar:

NM_000059.4(BRCA2):c.5197dup (p.Ser1733fs)

Gene: BRCA2 (BRCA2 DNA repair associated; plus strand). Cytogenetic location: 13q13.1.
Variant type: Duplication.
Coding change: c.5197dup on transcript NM_000059.4 (MANE Select); coding-DNA position 5197, one base duplicated (T; older notation c.5197dupT).
Protein change: p.Ser1733fs; shifts the reading frame from serine 1733.
Molecular consequence: frameshift variant.
Genome position (GRCh38, 1-based): chr13:32,339,552, T duplicated. VCF-style (leftmost placement, unchanged base first): chr13-32339551-C-CT. GRCh37 (hg19) VCF-style: chr13-32913688-C-CT.
Other names: 5425insT; c.5197dupT (NM_000059.3); short protein forms S1733fs.
Identifiers: ClinVar variation 51812 (VCV000051812.7), dbSNP rs397507771, ClinGen allele CA021659.

ClinVar aggregate classification (germline): Pathogenic. Review status: reviewed by expert panel (3 of 4 stars). 2 submissions from 2 submitters: Pathogenic (1). 1 of the submissions does not count toward it. Last evaluated 2016-10-18.

Conditions:
Breast-ovarian cancer, familial, susceptibility to, 2 (BROVCA2). Also called: BRCA2 Hereditary Breast and Ovarian Cancer. Identifiers: Orphanet 145, MedGen C2675520, MONDO:0012933, OMIM 612555. Disease mechanism: loss of function.

Submissions (2):

Evidence-based Network for the Interpretation of Germline Mutant Alleles (ENIGMA)
Classification: Pathogenic for Breast-ovarian cancer, familial, susceptibility to, 2. Last evaluated: 2016-10-18. Review status: reviewed by expert panel. Criteria: ENIGMA BRCA1/2 Classification Criteria (2015). Collection method: curation. Allele origin: germline.
Comment: Variant allele predicted to encode a truncated non-functional protein.

Consortium of Investigators of Modifiers of BRCA1/2 (CIMBA), c/o University of Cambridge
Classification: Pathogenic for Breast-ovarian cancer, familial, susceptibility to, 2. Last evaluated: 2015-10-02. Review status: criteria provided, single submitter. Criteria: CIMBA Mutation Classification guidelines May 2016. Collection method: clinical testing. Allele origin: germline. Not counted in ClinVar's aggregate classification.